The following is an entry in ClinVar:

NM_000169.3(GLA):c.194G>T (p.Ser65Ile)

Genes: GLA (galactosidase alpha; minus strand), RPL36A-HNRNPH2 (RPL36A-HNRNPH2 readthrough; plus strand). Cytogenetic location: Xq22.1.
Variant type: single nucleotide variant.
Coding change: c.194G>T on transcript NM_000169.3 (MANE Select); coding-DNA position 194, G replaced by T.
Protein change: p.Ser65Ile; replaces serine 65 with isoleucine.
Molecular consequence: missense variant. On other transcripts: non-coding transcript variant (3), intron variant (2).
Genome position (GRCh38, 1-based): chrX:101,407,710, C>A on the plus strand (G>T on the coding strand, the complement: GLA is on the minus strand). VCF-style: chrX-101407710-C-A. GRCh37 (hg19) VCF-style: chrX-100662698-C-A.
Other names: NC_000023.10:g.100662698C>A; c.194G>T, p.Ser65Ile (NM_001406748.1, NM_001406749.1, NM_001406747.1); c.301-4226C>A (NM_001199973.2); c.178-4226C>A (NM_001199974.2); short protein forms S65I.
Identifiers: ClinVar variation 4087297 (VCV004087297.3).

ClinVar aggregate classification (germline): Pathogenic/Likely pathogenic. Review status: criteria provided, multiple submitters, no conflicts (2 of 4 stars). 2 submissions from 2 submitters: Pathogenic (1); Likely pathogenic (1). Last evaluated 2026-09-08.

Conditions:
GLA-related disorder. Also called: GLA-related condition.
Fabry disease. Also called: ALPHA-GALACTOSIDASE A DEFICIENCY; ANDERSON-FABRY DISEASE; CERAMIDE TRIHEXOSIDASE DEFICIENCY; GLA DEFICIENCY; HEREDITARY DYSTOPIC LIPIDOSIS; Angiokeratoma corporis diffusum. Identifiers: Orphanet 324, MedGen C0002986, MONDO:0010526, OMIM 301500, HP:0001071. Disease mechanism: Fabry disease is due to inactivating mutations in the X-linked GLA gene resulting in deficiency of the enzyme Alpha Galactosidase-A., loss of function.

Submissions (5):

Genomenon, Inc
Classification: Pathogenic for Fabry disease. Last evaluated: 2026-09-08. Review status: criteria provided, single submitter. Criteria: Genomenon Sequence Variant Interpretation Standards - Updated. Collection method: curation. Allele origin: germline. Affected: yes.
Comment: GLA p.Ser65Ile (c.194G>T) is a missense variant that changes the amino acid at codon 65 from Serine to Isoleucine. This variant has been observed in at least one proband with clinical features consistent with Fabry disease (PMID:27657681). At least one functional study has demonstrated a substantial alteration in protein function relative to the wild-type (PMID:36499585;23935525). At least one splicing study has demonstrated that this variant results in aberrant splicing (PMID:36499585). It is absent or not present at a significant frequency in gnomAD. In conclusion, we classify GLA p.Ser65Ile (c.194G>T) as a pathogenic variant.

Blueprint Genetics
Classification: Likely pathogenic for GLA-related disorders. Last evaluated: 2024-07-15. Review status: criteria provided, single submitter. Criteria: ACMG Guidelines, 2015. Collection method: clinical testing. Allele origin: germline. Affected: yes. Observed: 1 variant allele.

Dr. Peter K. Rogan Lab, Western University
No classification provided (evidence only). Condition: Thyroid cancer, nonmedullary, 1. Review status: no classification provided. Collection method: in vitro. Allele origin: not applicable. Functional consequence: retained intron. Not counted in ClinVar's aggregate classification.

Dr. Peter K. Rogan Lab, Western University
No classification provided (evidence only). Condition: Thyroid cancer, nonmedullary, 1. Review status: no classification provided. Collection method: in vitro. Allele origin: not applicable. Functional consequence: retained intron. Not counted in ClinVar's aggregate classification.

Dr. Peter K. Rogan Lab, Western University
No classification provided (evidence only). Condition: Nonpapillary renal cell carcinoma. Review status: no classification provided. Collection method: in vitro. Allele origin: not applicable. Functional consequence: retained intron. Not counted in ClinVar's aggregate classification.

Literature cited by the submitters: PubMed 27657681 (cited by Genomenon, Inc); PubMed 36499585 (cited by Genomenon, Inc); PubMed 23935525 (cited by Genomenon, Inc).